The following is an entry in ClinVar:

ClinVar aggregate classification (germline): Uncertain significance (1 of 4 stars; one submission).

Conditions:
EGFR-related lung cancer (EGFR). Identifiers: MedGen CN130014.

Submission:

Labcorp Genetics (formerly Invitae), Labcorp
Classification: Uncertain significance for EGFR-related lung cancer. Last evaluated: 2021-07-09. Review status: criteria provided, single submitter. Criteria: Invitae Variant Classification Sherloc (09022015). Collection method: clinical testing. Allele origin: germline.
Comment: This sequence change replaces glutamic acid with glutamine at codon 1196 of the EGFR protein (p.Glu1196Gln). The glutamic acid residue is moderately conserved and there is a small physicochemical difference between glutamic acid and glutamine. This variant is not present in population databases (ExAC no frequency). This variant has not been reported in the literature in individuals affected with EGFR-related conditions. Algorithms developed to predict the effect of missense changes on protein structure and function are either unavailable or do not agree on the potential impact of this missense change (SIFT: "Tolerated"; PolyPhen-2: "Possibly Damaging"; Align-GVGD: "Class C0"). In summary, the available evidence is currently insufficient to determine the role of this variant in disease. Therefore, it has been classified as a Variant of Uncertain Significance.

NM_005228.5(EGFR):c.3586G>C (p.Glu1196Gln)

Gene: EGFR (epidermal growth factor receptor; plus strand). Cytogenetic location: 7p11.2.
Variant type: single nucleotide variant.
Coding change: c.3586G>C on transcript NM_005228.5 (MANE Select); coding-DNA position 3586, G replaced by C.
Protein change: p.Glu1196Gln; replaces glutamic acid 1196 with glutamine.
Molecular consequence: missense variant.
Genome position (GRCh38, 1-based): chr7:55,205,570, G>C. VCF-style: chr7-55205570-G-C. GRCh37 (hg19) VCF-style: chr7-55273263-G-C.
Other names: c.3451G>C, p.Glu1151Gln (NM_001346899.2); c.3427G>C, p.Glu1143Gln (NM_001346900.2); c.2785G>C, p.Glu929Gln (NM_001346941.2); short protein forms E1143Q, E1151Q, E1196Q, E929Q.
Identifiers: ClinVar variation 1443486 (VCV001443486.8), dbSNP rs1379387764, ClinGen allele CA367584950.
Genomic context (GRCh38, chr7:55,205,570, plus strand): 5'-TTCTTTCCCAAGGAAGCCAAGCCAAATGGCATCTTTAAGGGCTCCACAGCTGAAAATGCA[G>C]AATACCTAAGGGTCGCGCCACAAAGCAGTGAATTTATTGGAGCATGACCACGGAGGATAG-3'
Protein context (NP_005219.2, residues 1186-1206): IFKGSTAENA[Glu1196Gln]YLRVAPQSSE